The following is an entry in ClinVar:

ClinVar aggregate classification (germline): Uncertain significance. Review status: criteria provided, multiple submitters, no conflicts (2 of 4 stars). 2 submissions from 2 submitters: Uncertain significance (2). Last evaluated 2024-07-15.

Conditions:
Adams-Oliver syndrome 5 (AOS5). Identifiers: Orphanet 974, MedGen C4014970, MONDO:0014459, OMIM 616028.
Familial thoracic aortic aneurysm and aortic dissection (TAAD). Also called: Thoracic aortic aneurysms and dissections. Identifiers: Orphanet 91387, MedGen C4707243, MONDO:0019625.

Allele frequency attached by ClinVar (database versions not stated): gnomAD exomes below 0.00001 and 0.00001; gnomAD 0.00001; TOPMed 0.00002.
gnomAD v4.1: 12 of 1,611,632 alleles (0.00074%); highest among the groups gnomAD compares: East Asian, 0.0045%; no homozygotes.

Submissions (2):

Labcorp Genetics (formerly Invitae), Labcorp
Classification: Uncertain significance for Adams-Oliver syndrome 5. Last evaluated: 2024-07-15. Review status: criteria provided, single submitter. Criteria: Invitae Variant Classification Sherloc (09022015). Collection method: clinical testing. Allele origin: germline.
Comment: This sequence change replaces arginine, which is basic and polar, with cysteine, which is neutral and slightly polar, at codon 1877 of the NOTCH1 protein (p.Arg1877Cys). The frequency data for this variant in the population databases is considered unreliable, as metrics indicate poor data quality at this position in the gnomAD database. This variant has not been reported in the literature in individuals affected with NOTCH1-related conditions. ClinVar contains an entry for this variant (Variation ID: 1413494). Advanced modeling of protein sequence and biophysical properties (such as structural, functional, and spatial information, amino acid conservation, physicochemical variation, residue mobility, and thermodynamic stability) has been performed at Invitae for this missense variant, however the output from this modeling did not meet the statistical confidence thresholds required to predict the impact of this variant on NOTCH1 protein function. In summary, the available evidence is currently insufficient to determine the role of this variant in disease. Therefore, it has been classified as a Variant of Uncertain Significance.

Ambry Genetics
Classification: Uncertain significance for Familial thoracic aortic aneurysm and aortic dissection. Last evaluated: 2021-06-23. Review status: criteria provided, single submitter. Criteria: Ambry Variant Classification Scheme 2023. Collection method: clinical testing. Allele origin: germline.
Comment: The p.R1877C variant (also known as c.5629C>T), located in coding exon 30 of the NOTCH1 gene, results from a C to T substitution at nucleotide position 5629. The arginine at codon 1877 is replaced by cysteine, an amino acid with highly dissimilar properties. This amino acid position is conserved. In addition, the in silico prediction for this alteration is inconclusive. Since supporting evidence is limited at this time, the clinical significance of this alteration remains unclear.

NM_017617.5(NOTCH1):c.5629C>T (p.Arg1877Cys)

Gene: NOTCH1 (notch receptor 1; minus strand). Cytogenetic location: 9q34.3.
Variant type: single nucleotide variant.
Coding change: c.5629C>T on transcript NM_017617.5 (MANE Select); coding-DNA position 5629, C replaced by T.
Protein change: p.Arg1877Cys; replaces arginine 1877 with cysteine.
Molecular consequence: missense variant.
Genome position (GRCh38, 1-based): chr9:136,501,757, G>A on the plus strand (C>T on the coding strand, the complement: NOTCH1 is on the minus strand). VCF-style: chr9-136501757-G-A. GRCh37 (hg19) VCF-style: chr9-139396209-G-A.
Other names: short protein forms R1877C.
Identifiers: ClinVar variation 1413494 (VCV001413494.10), dbSNP rs1446708596, ClinGen allele CA375638864.
Genomic context (GRCh38, chr9:136,501,757, plus strand): 5'-GAGGCAGGTGGGCCACGGGGCTAGGGAAGCCCTGGCTGCTGGCACCCTTACCAGGCCCGC[G>A]GACATTGACGTCCATGCAGTCGGCGTCAACCTCACCCTGGGGCGGTGTGGGGGCCATGGC-3'
Protein context (NP_060087.3, residues 1867-1887): VDADCMDVNV[Arg1877Cys]GPDGFTPLMI